The following is an entry in ClinVar:

NM_032737.4(LMNB2):c.1216C>A (p.Pro406Thr)

Gene: LMNB2 (lamin B2; minus strand). Cytogenetic location: 19p13.3.
Variant type: single nucleotide variant.
Coding change: c.1216C>A on transcript NM_032737.4 (MANE Select); coding-DNA position 1216, C replaced by A.
Protein change: p.Pro406Thr; replaces proline 406 with threonine.
Molecular consequence: missense variant.
Genome position (GRCh38, 1-based): chr19:2,434,092, G>T on the plus strand (C>A on the coding strand, the complement: LMNB2 is on the minus strand). VCF-style: chr19-2434092-G-T. GRCh37 (hg19) VCF-style: chr19-2434090-G-T.
Other names: short protein forms P406T.
Identifiers: ClinVar variation 957286 (VCV000957286.9), dbSNP rs1232802483, ClinGen allele CA403252374.

ClinVar aggregate classification (germline): Uncertain significance (1 of 4 stars; one submission).

Conditions:
Lipodystrophy, partial, acquired, susceptibility to (APLD). Also called: APLD, SUSCEPTIBILITY TO. Identifiers: MedGen C3887501, MONDO:0100476, OMIM 608709.
Progressive myoclonic epilepsy type 9. Identifiers: Orphanet 457265, MedGen C4225289, MONDO:0014685, OMIM 616540.

Submission:

Labcorp Genetics (formerly Invitae), Labcorp
Classification: Uncertain significance for Progressive myoclonic epilepsy type 9; Lipodystrophy, partial, acquired, susceptibility to. Last evaluated: 2020-02-10. Review status: criteria provided, single submitter. Criteria: Invitae Variant Classification Sherloc (09022015). Collection method: clinical testing. Allele origin: germline.
Comment: Algorithms developed to predict the effect of missense changes on protein structure and function (SIFT, PolyPhen-2, Align-GVGD) all suggest that this variant is likely to be disruptive, but these predictions have not been confirmed by published functional studies and their clinical significance is uncertain. In summary, the available evidence is currently insufficient to determine the role of this variant in disease. Therefore, it has been classified as a Variant of Uncertain Significance. This variant has not been reported in the literature in individuals with LMNB2-related conditions. This variant is not present in population databases (ExAC no frequency). This sequence change replaces proline with threonine at codon 406 of the LMNB2 protein (p.Pro406Thr). The proline residue is highly conserved and there is a small physicochemical difference between proline and threonine.